The following is an entry in ClinVar:

NM_000092.5(COL4A4):c.3044G>A (p.Gly1015Glu)

Gene: COL4A4 (collagen type IV alpha 4 chain; minus strand). Cytogenetic location: 2q36.3.
Variant type: single nucleotide variant.
Coding change: c.3044G>A on transcript NM_000092.5 (MANE Select); coding-DNA position 3044, G replaced by A.
Protein change: p.Gly1015Glu; replaces glycine 1015 with glutamic acid.
Molecular consequence: missense variant.
Genome position (GRCh38, 1-based): chr2:227,051,083, C>T on the plus strand (G>A on the coding strand, the complement: COL4A4 is on the minus strand). VCF-style: chr2-227051083-C-T. GRCh37 (hg19) VCF-style: chr2-227915799-C-T.
Other names: short protein forms G1015E.
Identifiers: ClinVar variation 557146 (VCV000557146.20), dbSNP rs764323652, ClinGen allele CA2144642.

ClinVar aggregate classification (germline): Conflicting classifications of pathogenicity. Review status: criteria provided, conflicting classifications (1 of 4 stars). 10 submissions from 10 submitters: Pathogenic (1); Likely pathogenic (4); Uncertain significance (3). 2 of the submissions do not count toward it. Last evaluated 2026-07-22.

Conditions:
Hematuria, benign familial, 1 (BFH1). Also called: THIN MEMBRANE NEPHROPATHY. Identifiers: MedGen CN376803, MONDO:0007709, OMIM 141200.
Autosomal recessive Alport syndrome (ATS2). Also called: COL4A3-Related Nephropathy; Alport syndrome type 2; ALPORT SYNDROME 2, AUTOSOMAL RECESSIVE; COL4A4 Alport Syndrome and Thin Basement Membrane Nephropathy. Identifiers: Orphanet 63, Orphanet 88919, MedGen C4746745, MONDO:0008762, OMIM 203780.
COL4A4-related disorder.
Autosomal dominant Alport syndrome (ATS3A). Also called: ALPORT SYNDROME 3A, AUTOSOMAL DOMINANT; Alport syndrome dominant type; Renal failure and sensorineural hearing loss. Identifiers: Orphanet 63, Orphanet 88918, MedGen C5882663, MONDO:0007086, OMIM 104200.
Benign familial hematuria. Also called: thin basement membrane disease. Identifiers: MedGen C0241908, MONDO:0957317.
Alport syndrome. Also called: Hemorrhagic familial nephritis; Hemorrhagic hereditary nephritis; Congenital hereditary hematuria. Identifiers: Orphanet 63, MedGen C1567741, MONDO:0018965.

Allele frequency attached by ClinVar (database versions not stated): gnomAD 0.00007 and 0.00008; ExAC 0.00005; TOPMed 0.00011; gnomAD exomes 0.00005 and 0.00006.
gnomAD v4.1: 97 of 1,614,008 alleles (0.006%); highest among the groups gnomAD compares: Non-Finnish European, 0.0074%; 1 homozygote.

Submissions (10):

GeneDx
Classification: Uncertain significance. Last evaluated: 2026-07-22. Review status: criteria provided, single submitter. Criteria: GeneDx Variant Classification Process June 2021. Collection method: clinical testing. Allele origin: germline.
Comment: Reported in individuals with microscopic hematuria with or without associated ocular abnormalities in published literature; clinical information is limited (PMID: 35419377, 28632965, 33369211); Affects a glycine residue in a Gly-X-Y motif in the triple helical region of the COL4A4 gene; In silico analysis supports that this missense variant has a deleterious effect on protein structure/function; This variant is associated with the following publications: (PMID: 34426522, 35419377, 33369211, 28632965, 38214412, 39907758)

Labcorp Genetics (formerly Invitae), Labcorp
Classification: Pathogenic. Last evaluated: 2025-12-20. Review status: criteria provided, single submitter. Criteria: Invitae Variant Classification Sherloc (09022015). Collection method: clinical testing. Allele origin: germline.
Comment: This sequence change replaces glycine, which is neutral and non-polar, with glutamic acid, which is acidic and polar, at codon 1015 of the COL4A4 protein (p.Gly1015Glu). This variant is present in population databases (rs764323652, gnomAD 0.01%). This missense change has been observed in individuals with Alport syndrome (PMID: 28632965, 33369211; internal data). ClinVar contains an entry for this variant (Variation ID: 557146). Invitae Evidence Modeling of protein sequence and biophysical properties (such as structural, functional, and spatial information, amino acid conservation, physicochemical variation, residue mobility, and thermodynamic stability) indicates that this missense variant is expected to disrupt COL4A4 protein function with a positive predictive value of 95%. For these reasons, this variant has been classified as Pathogenic.

Genomic Medicine Center of Excellence, King Faisal Specialist Hospital and Research Centre
Classification: Likely pathogenic for Autosomal recessive Alport syndrome. Last evaluated: 2025-09-10. Review status: criteria provided, single submitter. Criteria: ACMG Guidelines, 2015. Collection method: clinical testing. Allele origin: germline.

Blueprint Genetics
Classification: Uncertain significance. Last evaluated: 2024-09-09. Review status: criteria provided, single submitter. Criteria: ACMG Guidelines, 2015. Collection method: clinical testing. Allele origin: germline.

Fulgent Genetics
Classification: Likely pathogenic for Hematuria, benign familial, 1; Autosomal recessive Alport syndrome. Last evaluated: 2024-02-13. Review status: criteria provided, single submitter. Criteria: ACMG Guidelines, 2015. Collection method: clinical testing. Allele origin: germline.

Department of Pathology and Laboratory Medicine, Sinai Health System
Classification: Uncertain significance for Alport syndrome. Last evaluated: 2023-01-16. Review status: criteria provided, single submitter. Criteria: ACMG Guidelines, 2015. Collection method: research. Allele origin: germline.

Institute of Human Genetics Munich, TUM University Hospital
Classification: Likely pathogenic for Hematuria, benign familial, 1. Last evaluated: 2022-03-07. Review status: criteria provided, single submitter. Criteria: Classification criteria August 2017. Collection method: clinical testing. Allele origin: germline. Inheritance: Autosomal dominant inheritance. Affected: yes. Observed: 2 variant alleles.

Medical Genetics, University of Parma
Classification: Likely pathogenic for Autosomal dominant Alport syndrome; Hematuria, benign familial, 1. Last evaluated: 2020-03-11. Review status: criteria provided, single submitter. Criteria: ACMG Guidelines, 2015. Collection method: clinical testing. Allele origin: germline. Affected: yes.

PreventionGenetics, part of Exact Sciences
Classification: Pathogenic for COL4A4-related condition. Last evaluated: 2024-06-06. Review status: no assertion criteria provided. Collection method: clinical testing. Allele origin: germline. Not counted in ClinVar's aggregate classification.
Comment: The COL4A4 c.3044G>A variant is predicted to result in the amino acid substitution p.Gly1015Glu. This variant affects a glycine (Gly) residue of the conserved triple helical domain (residues 65 – 1459) of the COL4A4 protein, where substitutions of the glycine (Gly) residue are usually pathogenic (Hudson et al. 1993. PubMed ID: 8253711). This variant has been reported in individuals with familial microscopic hematuria (Family GR-5416 in Papazachariou et al. 2017. PubMed ID: 28632965; Supp. Table 1 in Uliana et al. 2021. PubMed ID: 33369211; Cerkauskaite et al. 2022. PubMed ID: 35419377). This variant is reported in 0.011% of alleles in individuals of European (non-Finnish) descent in gnomAD. This variant is interpreted as pathogenic for COL4A4-related renal disorders.

Counsyl
Classification: Uncertain significance for Autosomal recessive Alport syndrome. Last evaluated: 2018-03-05. Review status: no assertion criteria provided. Collection method: clinical testing. Allele origin: unknown. Not counted in ClinVar's aggregate classification.

Literature cited by the submitters: PubMed 28632965 (cited by Labcorp Genetics (formerly Invitae), Labcorp); PubMed 33369211 (cited by Labcorp Genetics (formerly Invitae), Labcorp).